The following is an entry in ClinVar:

NM_003859.3(DPM1):c.571C>T (p.Arg191Ter)

Genes: DPM1 (dolichyl-phosphate mannosyltransferase subunit 1, catalytic; minus strand), ADNP-AS1 (ADNP antisense RNA 1; plus strand). Cytogenetic location: 20q13.13.
Variant type: single nucleotide variant.
Coding change: c.571C>T on transcript NM_003859.3 (MANE Select); coding-DNA position 571, C replaced by T.
Protein change: p.Arg191Ter; replaces arginine 191 with a stop codon.
Molecular consequence: nonsense. On other transcripts: non-coding transcript variant (1).
Genome position (GRCh38, 1-based): chr20:50,936,255, G>A on the plus strand (C>T on the coding strand, the complement: DPM1 is on the minus strand). VCF-style: chr20-50936255-G-A. GRCh37 (hg19) VCF-style: chr20-49552792-G-A.
Other names: c.676C>T, p.Arg226Ter (NM_001317034.1); c.652C>T, p.Arg218Ter (NM_001317035.1); c.502C>T, p.Arg168Ter (NM_001317036.1); short protein forms R218*, R226*, R191*, R168*.
Identifiers: ClinVar variation 1444616 (VCV001444616.6), dbSNP rs1324743951, ClinGen allele CA408987621.

ClinVar aggregate classification (germline): Pathogenic (1 of 4 stars; one submission).

Conditions:
Congenital disorder of glycosylation type 1E (CDG1E). Also called: CONGENITAL DISORDER OF GLYCOSYLATION, TYPE Ie; CDG Ie. Identifiers: Orphanet 79322, MedGen C1837396, MONDO:0012123, OMIM 608799.

Allele frequency attached by ClinVar (database versions not stated): gnomAD 0.00001; gnomAD exomes 0.00001; TOPMed 0.00001.
gnomAD v4.1: 17 of 1,587,088 alleles (0.0011%); highest among the groups gnomAD compares: Admixed American, 0.0017%; no homozygotes.

Submission:

Labcorp Genetics (formerly Invitae), Labcorp
Classification: Pathogenic for Congenital disorder of glycosylation type 1E. Last evaluated: 2024-08-16. Review status: criteria provided, single submitter. Criteria: Invitae Variant Classification Sherloc (09022015). Collection method: clinical testing. Allele origin: germline.
Comment: This sequence change creates a premature translational stop signal (p.Arg191*) in the DPM1 gene. It is expected to result in an absent or disrupted protein product. Loss-of-function variants in DPM1 are known to be pathogenic (PMID: 10642597, 10642602). This variant is present in population databases (no rsID available, gnomAD 0.003%). This variant has not been reported in the literature in individuals affected with DPM1-related conditions. ClinVar contains an entry for this variant (Variation ID: 1444616). For these reasons, this variant has been classified as Pathogenic.

Literature cited by the submitters: PubMed 10642597; PubMed 10642602.